The following is an entry in ClinVar:

ClinVar aggregate classification (germline): Likely benign (1 of 4 stars; one submission).

gnomAD v4.1: 6,179 of 1,613,948 alleles (0.38%); highest among the groups gnomAD compares: Non-Finnish European, 0.48%; 27 homozygotes.

Submission:

CeGaT Center for Human Genetics Tuebingen
Classification: Likely benign. Last evaluated: 2026-07-01. Review status: criteria provided, single submitter. Criteria: CeGaT Center For Human Genetics Tuebingen Variant Classification Criteria Version 2. Collection method: clinical testing. Allele origin: germline. Affected: yes. Observed: 1 variant allele.
Comment: CYP3A4: BP4, BS2

NM_017460.6(CYP3A4):c.520G>C (p.Asp174His)

Gene: CYP3A4 (cytochrome P450 family 3 subfamily A member 4; minus strand). Cytogenetic location: 7q22.1.
Variant type: single nucleotide variant.
Coding change: c.520G>C on transcript NM_017460.6 (MANE Select); coding-DNA position 520, G replaced by C.
Protein change: p.Asp174His; replaces aspartic acid 174 with histidine.
Molecular consequence: missense variant.
Genome position (GRCh38, 1-based): chr7:99,769,769, C>G on the plus strand (G>C on the coding strand, the complement: CYP3A4 is on the minus strand). VCF-style: chr7-99769769-C-G. GRCh37 (hg19) VCF-style: chr7-99367392-C-G.
Other names: c.520G>C, p.Asp174His (NM_001202855.3); short protein forms D174H.
Identifiers: ClinVar variation 5038517 (VCV005038517.1).